The following is an entry in ClinVar:

ClinVar aggregate classification (germline): Uncertain significance (1 of 4 stars; one submission).

gnomAD v4.1: 31 of 1,614,250 alleles (0.0019%); highest among the groups gnomAD compares: Non-Finnish European, 0.0025%; no homozygotes.

Submission:

CeGaT Center for Human Genetics Tuebingen
Classification: Uncertain significance. Last evaluated: 2025-05-01. Review status: criteria provided, single submitter. Criteria: CeGaT Center For Human Genetics Tuebingen Variant Classification Criteria Version 2. Collection method: clinical testing. Allele origin: germline. Affected: yes. Observed: 1 variant allele.
Comment: ARID1B: PM5

NM_001374828.1(ARID1B):c.1898A>G (p.Tyr633Cys)

Gene: ARID1B (AT-rich interaction domain 1B; plus strand). Cytogenetic location: 6q25.3.
Variant type: single nucleotide variant.
Coding change: c.1898A>G on transcript NM_001374828.1 (MANE Select); coding-DNA position 1898, A replaced by G.
Protein change: p.Tyr633Cys; replaces tyrosine 633 with cysteine.
Molecular consequence: missense variant.
Genome position (GRCh38, 1-based): chr6:156,829,333, A>G. VCF-style: chr6-156829333-A-G. GRCh37 (hg19) VCF-style: chr6-157150467-A-G.
Other names: c.1898A>G, p.Tyr633Cys (NM_001371656.1, NM_001374820.1, NM_017519.3); short protein forms Y633C.
Identifiers: ClinVar variation 3905491 (VCV003905491.10).
Genomic context (GRCh38, chr6:156,829,333, plus strand): 5'-GCATGGGCAGTAACCCTCATTCTCAGCCTCAGCAGAGCAGTCCGTACCCAGGAGGTTCCT[A>G]TGGCCCTCCAGGCCCACAGCGGTATCCAATTGGCATCCAGGGTCGGACTCCCGGGGCCAT-3'
Protein context (NP_001361757.1, residues 623-643): QQSSPYPGGS[Tyr633Cys]GPPGPQRYPI